The following is an entry in ClinVar:

NM_006206.6(PDGFRA):c.2113C>G (p.Leu705Val)

Gene: PDGFRA (platelet derived growth factor receptor alpha; plus strand). Cytogenetic location: 4q12.
Variant type: single nucleotide variant.
Coding change: c.2113C>G on transcript NM_006206.6 (MANE Select); coding-DNA position 2113, C replaced by G.
Protein change: p.Leu705Val; replaces leucine 705 with valine.
Molecular consequence: missense variant.
Genome position (GRCh38, 1-based): chr4:54,278,472, C>G. VCF-style: chr4-54278472-C-G. GRCh37 (hg19) VCF-style: chr4-55144639-C-G.
Other names: c.2113C>G, p.Leu705Val (NM_001347827.2, NM_001347829.2); c.2188C>G, p.Leu730Val (NM_001347828.2); c.2152C>G, p.Leu718Val (NM_001347830.2); short protein forms L718V, L705V, L730V.
Identifiers: ClinVar variation 820747 (VCV000820747.4), dbSNP rs763091995, ClinGen allele CA2922748.

ClinVar aggregate classification (germline): Uncertain significance (1 of 4 stars; one submission).

Conditions:
Hereditary cancer-predisposing syndrome. Also called: Neoplastic Syndromes, Hereditary; Tumor predisposition; Hereditary Cancer Syndrome; Hereditary neoplastic syndrome. Identifiers: Orphanet 140162, MedGen C0027672, MeSH D009386, MONDO:0015356.

Allele frequency attached by ClinVar (database versions not stated): gnomAD exomes below 0.00001; ExAC 0.00001.
gnomAD v4.1: 2 of 1,613,932 alleles (0.00012%); highest among the groups gnomAD compares: East Asian, 0.0022%; no homozygotes.

Submission:

Ambry Genetics
Classification: Uncertain significance for Hereditary cancer-predisposing syndrome. Last evaluated: 2019-07-12. Review status: criteria provided, single submitter. Criteria: Ambry Variant Classification Scheme 2023. Collection method: clinical testing. Allele origin: germline.
Comment: The p.L705V variant (also known as c.2113C>G), located in coding exon 14 of the PDGFRA gene, results from a C to G substitution at nucleotide position 2113. The leucine at codon 705 is replaced by valine, an amino acid with highly similar properties. This amino acid position is highly conserved in available vertebrate species. In addition, this alteration is predicted to be tolerated by in silico analysis. Since supporting evidence is limited at this time, the clinical significance of this alteration remains unclear.